The following is an entry in ClinVar:

NM_001130438.3(SPTAN1):c.3579G>A (p.Lys1193=)

Gene: SPTAN1 (spectrin alpha, non-erythrocytic 1; plus strand). Cytogenetic location: 9q34.11.
Variant type: single nucleotide variant.
Coding change: c.3579G>A on transcript NM_001130438.3 (MANE Select); coding-DNA position 3579, G replaced by A.
Protein change: p.Lys1193=; no amino-acid change (lysine 1193 retained).
Molecular consequence: synonymous variant.
Genome position (GRCh38, 1-based): chr9:128,600,115, G>A. VCF-style: chr9-128600115-G-A. GRCh37 (hg19) VCF-style: chr9-131362394-G-A.
Other names: c.3579G>A, p.Lys1193= (NM_003127.4, NM_001363759.2, NM_001375310.1 and 2 more transcripts); c.3519G>A, p.Lys1173= (NM_001195532.2, NM_001363765.2, NM_001375314.2); c.3615G>A, p.Lys1205= (NM_001375312.2, NM_001375318.1).
Identifiers: ClinVar variation 2726447 (VCV002726447.3), dbSNP rs2541573146, ClinGen allele CA467302434.
Genomic context (GRCh38, chr9:128,600,115, plus strand): 5'-CCTAAATTCCTCTTTCTTTGAATAGGATGAAACTGATTCCAAGACAGCCTCCCCGTGGAA[G>A]GTAAGAACTCCTTTGCAAATTATTGTTTTCAAGAGTTTTGCGAGATCATGAAATATGTCC-3'
Protein context (NP_001123910.1, residues 1183-1203): ETDSKTASPW[Lys1193=]SARLMVHTVA

ClinVar aggregate classification (germline): Uncertain significance (1 of 4 stars; one submission).

Conditions:
Early-infantile DEE. Also called: Early infantile epileptic encephalopathy; Early infantile epileptic encephalopathy with suppression bursts; Ohtahara syndrome. Identifiers: Orphanet 1934, MedGen C0393706, MONDO:0800491.

Submission:

Labcorp Genetics (formerly Invitae), Labcorp
Classification: Uncertain significance for Early-infantile DEE. Last evaluated: 2023-07-31. Review status: criteria provided, single submitter. Criteria: Invitae Variant Classification Sherloc (09022015). Collection method: clinical testing. Allele origin: germline.
Comment: Variants that disrupt the consensus splice site are a relatively common cause of aberrant splicing (PMID: 17576681, 9536098). Algorithms developed to predict the effect of sequence changes on RNA splicing suggest that this variant is not likely to affect RNA splicing. This variant has not been reported in the literature in individuals affected with SPTAN1-related conditions. This variant is not present in population databases (gnomAD no frequency). This sequence change affects codon 1193 of the SPTAN1 mRNA. It is a 'silent' change, meaning that it does not change the encoded amino acid sequence of the SPTAN1 protein. This variant also falls at the last nucleotide of exon 27, which is part of the consensus splice site for this exon. In summary, the available evidence is currently insufficient to determine the role of this variant in disease. Therefore, it has been classified as a Variant of Uncertain Significance.

Literature cited by the submitters: PubMed 17576681; PubMed 9536098.